The following is an entry in ClinVar:

ClinVar aggregate classification (germline): Uncertain significance. Review status: criteria provided, multiple submitters, no conflicts (2 of 4 stars). 2 submissions from 2 submitters: Uncertain significance (2). Last evaluated 2023-08-17.

Conditions:
Inborn genetic diseases. Identifiers: MedGen C0950123, MeSH D030342.

Allele frequency attached by ClinVar (database versions not stated): TOPMed below 0.00001; gnomAD 0.00001; gnomAD exomes 0.00001.
gnomAD v4.1: 22 of 1,612,464 alleles (0.0014%); highest among the groups gnomAD compares: South Asian, 0.0022%; no homozygotes.

Submissions (2):

Labcorp Genetics (formerly Invitae), Labcorp
Classification: Uncertain significance. Last evaluated: 2023-08-17. Review status: criteria provided, single submitter. Criteria: Invitae Variant Classification Sherloc (09022015). Collection method: clinical testing. Allele origin: germline.
Comment: In summary, the available evidence is currently insufficient to determine the role of this variant in disease. Therefore, it has been classified as a Variant of Uncertain Significance. Advanced modeling of protein sequence and biophysical properties (such as structural, functional, and spatial information, amino acid conservation, physicochemical variation, residue mobility, and thermodynamic stability) performed at Invitae indicates that this missense variant is not expected to disrupt FLNB protein function. ClinVar contains an entry for this variant (Variation ID: 2218145). This variant has not been reported in the literature in individuals affected with FLNB-related conditions. The frequency data for this variant in the population databases is considered unreliable, as metrics indicate poor data quality at this position in the gnomAD database. This sequence change replaces proline, which is neutral and non-polar, with leucine, which is neutral and non-polar, at codon 1454 of the FLNB protein (p.Pro1454Leu).

Ambry Genetics
Classification: Uncertain significance for Inborn genetic diseases. Last evaluated: 2022-10-26. Review status: criteria provided, single submitter. Criteria: Ambry Variant Classification Scheme 2023. Collection method: clinical testing. Allele origin: germline.

NM_001457.4(FLNB):c.4361C>T (p.Pro1454Leu)

Gene: FLNB (filamin B; plus strand). Cytogenetic location: 3p14.3.
Variant type: single nucleotide variant.
Coding change: c.4361C>T on transcript NM_001457.4 (MANE Select); coding-DNA position 4361, C replaced by T.
Protein change: p.Pro1454Leu; replaces proline 1454 with leucine.
Molecular consequence: missense variant.
Genome position (GRCh38, 1-based): chr3:58,130,879, C>T. VCF-style: chr3-58130879-C-T. GRCh37 (hg19) VCF-style: chr3-58116606-C-T.
Other names: c.4361C>T, p.Pro1454Leu (NM_001164317.2, NM_001164318.2, NM_001164319.2); short protein forms P1454L.
Identifiers: ClinVar variation 2218145 (VCV002218145.5), dbSNP rs555120260, ClinGen allele CA75455340.